The following is an entry in ClinVar:

NM_018344.6(SLC29A3):c.163A>C (p.Ile55Leu)

Gene: SLC29A3 (solute carrier family 29 member 3; plus strand). Cytogenetic location: 10q22.1.
Variant type: single nucleotide variant.
Coding change: c.163A>C on transcript NM_018344.6 (MANE Select); coding-DNA position 163, A replaced by C.
Protein change: p.Ile55Leu; replaces isoleucine 55 with leucine.
Molecular consequence: missense variant. On other transcripts: 5 prime UTR variant (1), non-coding transcript variant (2).
Genome position (GRCh38, 1-based): chr10:71,322,917, A>C. VCF-style: chr10-71322917-A-C. GRCh37 (hg19) VCF-style: chr10-73082674-A-C.
Other names: c.163A>C, p.Ile55Leu (NM_001174098.2); c.-72A>C (NM_001363518.2); short protein forms I55L.
Identifiers: ClinVar variation 1383191 (VCV001383191.8), dbSNP rs774173242, ClinGen allele CA209389930.

ClinVar aggregate classification (germline): Uncertain significance (1 of 4 stars; one submission).

Conditions:
H syndrome. Also called: Histiocytosis with joint contractures and sensorineural deafness; Pigmented hypertrichosis and insulin-dependent diabetes mellitus; HISTIOCYTOSIS AND LYMPHADENOPATHY WITH OR WITHOUT CUTANEOUS, CARDIAC, AND/OR ENDOCRINE FEATURES, JOINT CONTRACTURES, AND/OR DEAFNESS; HYPERPIGMENTATION, CUTANEOUS, WITH HYPERTRICHOSIS, HEPATOSPLENOMEGALY, HEART ANOMALIES, AND HYPOGONADISM WITH OR WITHOUT HEARING LOSS; PIGMENTED HYPERTRICHOSIS WITH INSULIN-DEPENDENT DIABETES MELLITUS; ROSAI-DORFMAN DISEASE, FAMILIAL. Identifiers: Orphanet 168569, MedGen C1864445, MONDO:0011273, OMIM 602782.

Submission:

Labcorp Genetics (formerly Invitae), Labcorp
Classification: Uncertain significance for H syndrome. Last evaluated: 2020-12-10. Review status: criteria provided, single submitter. Criteria: Invitae Variant Classification Sherloc (09022015). Collection method: clinical testing. Allele origin: germline.
Comment: In summary, the available evidence is currently insufficient to determine the role of this variant in disease. Therefore, it has been classified as a Variant of Uncertain Significance. Algorithms developed to predict the effect of missense changes on protein structure and function (SIFT, PolyPhen-2, Align-GVGD) all suggest that this variant is likely to be tolerated, but these predictions have not been confirmed by published functional studies and their clinical significance is uncertain. This variant has not been reported in the literature in individuals with SLC29A3-related conditions. This variant is not present in population databases (ExAC no frequency). This sequence change replaces isoleucine with leucine at codon 55 of the SLC29A3 protein (p.Ile55Leu). The isoleucine residue is moderately conserved and there is a small physicochemical difference between isoleucine and leucine.